The following is an entry in ClinVar:

NM_018451.5(CPAP):c.*890T>C

Genes: CPAP (centrosome assembly and centriole elongation protein; minus strand), RNF17 (ring finger protein 17; plus strand). Cytogenetic location: 13q12.12.
Variant type: single nucleotide variant.
Coding change: c.*890T>C on transcript NM_018451.5 (MANE Select); 890 bases downstream of the stop codon, T replaced by C.
Molecular consequence: 3 prime UTR variant. On other transcripts: non-coding transcript variant (2).
Genome position (GRCh38, 1-based): chr13:24,882,287, A>G on the plus strand (T>C on the coding strand, the complement: CPAP is on the minus strand). VCF-style: chr13-24882287-A-G. GRCh37 (hg19) VCF-style: chr13-25456425-A-G.
Identifiers: ClinVar variation 311584 (VCV000311584.5), dbSNP rs17480581, ClinGen allele CA10634090.

ClinVar aggregate classification (germline): Conflicting classifications of pathogenicity. Review status: criteria provided, conflicting classifications (1 of 4 stars). 2 submissions from 1 submitter: Uncertain significance (1); Likely benign (1). Last evaluated 2018-01-12.

Conditions:
Seckel syndrome 4 (SCKL4). Identifiers: Orphanet 808, MedGen C3888212, MONDO:0013358, OMIM 613676.
Microcephaly 6, primary, autosomal recessive. Identifiers: Orphanet 2512, MedGen C1842109, MONDO:0012029, OMIM 608393.

Allele frequency attached by ClinVar (database versions not stated): gnomAD 0.00010 and 0.00011; 1000 Genomes Project 0.00060; TOPMed 0.00250.

Submissions (2):

Illumina Laboratory Services, Illumina
Classification: Uncertain significance for Microcephaly 6, primary, autosomal recessive. Last evaluated: 2018-01-12. Review status: criteria provided, single submitter. Criteria: ICSL Variant Classification Criteria 13 December 2019. Collection method: clinical testing. Allele origin: germline.

Illumina Laboratory Services, Illumina
Classification: Likely benign for Seckel syndrome 4. Last evaluated: 2018-01-12. Review status: criteria provided, single submitter. Criteria: ICSL Variant Classification Criteria 13 December 2019. Collection method: clinical testing. Allele origin: germline.
Comment: This variant was observed in the ICSL laboratory as part of a predisposition screen in an ostensibly healthy population. It had not been previously curated by ICSL or reported in the Human Gene Mutation Database (HGMD: prior to June 1st, 2018), and was therefore a candidate for classification through an automated scoring system. Utilizing variant allele frequency, disease prevalence and penetrance estimates, and inheritance mode, an automated score was calculated to assess if this variant is too frequent to cause the disease. Based on the score and internal cut-off values, a variant classified as likely benign is not then subjected to further curation. The score for this variant resulted in a classification of likely benign for this disease.